The following is an entry in ClinVar:

NM_006361.6(HOXB13):c.7C>T (p.Pro3Ser)

Gene: HOXB13 (homeobox B13; minus strand). Cytogenetic location: 17q21.32.
Variant type: single nucleotide variant.
Coding change: c.7C>T on transcript NM_006361.6 (MANE Select); coding-DNA position 7, C replaced by T.
Protein change: p.Pro3Ser; replaces proline 3 with serine.
Molecular consequence: missense variant.
Genome position (GRCh38, 1-based): chr17:48,728,587, G>A on the plus strand (C>T on the coding strand, the complement: HOXB13 is on the minus strand). VCF-style: chr17-48728587-G-A. GRCh37 (hg19) VCF-style: chr17-46805949-G-A.
Other names: short protein forms P3S.
Identifiers: ClinVar variation 483491 (VCV000483491.14), dbSNP rs546307661, ClinGen allele CA400110003.

ClinVar aggregate classification (germline): Conflicting classifications of pathogenicity. Review status: criteria provided, conflicting classifications (1 of 4 stars). 2 submissions from 2 submitters: Uncertain significance (1); Likely benign (1). Last evaluated 2026-07-09.

Conditions:
Hereditary cancer-predisposing syndrome. Also called: Neoplastic Syndromes, Hereditary; Hereditary neoplastic syndrome; Hereditary Cancer Syndrome; Tumor predisposition. Identifiers: Orphanet 140162, MedGen C0027672, MeSH D009386, MONDO:0015356.

Allele frequency attached by ClinVar (database versions not stated): TOPMed 0.00001.
gnomAD v4.1: 6 of 1,611,730 alleles (0.00037%); highest among the groups gnomAD compares: East Asian, 0.0022%; no homozygotes.

Submissions (2):

Ambry Genetics
Classification: Likely benign for Hereditary cancer-predisposing syndrome. Last evaluated: 2026-07-09. Review status: criteria provided, single submitter. Criteria: Ambry Variant Classification Scheme 2023. Collection method: clinical testing. Allele origin: germline.

Labcorp Genetics (formerly Invitae), Labcorp
Classification: Uncertain significance. Last evaluated: 2025-11-25. Review status: criteria provided, single submitter. Criteria: Invitae Variant Classification Sherloc (09022015). Collection method: clinical testing. Allele origin: germline.
Comment: This sequence change replaces proline, which is neutral and non-polar, with serine, which is neutral and polar, at codon 3 of the HOXB13 protein (p.Pro3Ser). This variant is present in population databases (no rsID available, gnomAD 0.002%). This variant has not been reported in the literature in individuals affected with HOXB13-related conditions. ClinVar contains an entry for this variant (Variation ID: 483491). An algorithm developed to predict the effect of missense changes on protein structure and function outputs the following: PolyPhen-2: "Benign". The serine amino acid residue is found in multiple mammalian species, which suggests that this missense change does not adversely affect protein function. In summary, the available evidence is currently insufficient to determine the role of this variant in disease. Therefore, it has been classified as a Variant of Uncertain Significance.